The following is an entry in ClinVar:

ClinVar aggregate classification (germline): Uncertain significance. Review status: criteria provided, multiple submitters, no conflicts (2 of 4 stars). 4 submissions from 4 submitters: Uncertain significance (4). Last evaluated 2025-11-17.

Conditions:
Hereditary cancer-predisposing syndrome. Also called: Tumor predisposition; Hereditary neoplastic syndrome; Neoplastic Syndromes, Hereditary; Hereditary Cancer Syndrome. Identifiers: Orphanet 140162, MedGen C0027672, MeSH D009386, MONDO:0015356.
BAP1-related tumor predisposition syndrome (TPDS1). Also called: Tumor susceptibility linked to germline BAP1 mutations; TUMOR PREDISPOSITION SYNDROME 1; BAP1 tumor predisposition syndrome; COMMON Syndrome. Identifiers: Orphanet 289539, MedGen C3280492, MONDO:0013692, OMIM 614327.

Submissions (4):

Ambry Genetics
Classification: Uncertain significance for Hereditary cancer-predisposing syndrome. Last evaluated: 2025-11-17. Review status: criteria provided, single submitter. Criteria: Ambry Variant Classification Scheme 2023. Collection method: clinical testing. Allele origin: germline.
Comment: The p.A471P variant (also known as c.1411G>C), located in coding exon 13 of the BAP1 gene, results from a G to C substitution at nucleotide position 1411. The alanine at codon 471 is replaced by proline, an amino acid with highly similar properties. This amino acid position is conserved. In addition, this alteration is predicted to be tolerated by in silico analysis. Based on the available evidence, the clinical significance of this variant remains unclear.

Dasa
Classification: Uncertain significance. Last evaluated: 2025-05-06. Review status: criteria provided, single submitter. Criteria: DASA Assertion Criteria. Collection method: clinical testing. Allele origin: germline.
Comment: NM_004656.4(BAP1):c.1411G>C (p.Ala471Pro) is a missense variant that results in the substitution of alanine with proline. This variant is absent from population databases. Computational prediction algorithms are consistent with a benign effect. The currently available literature and clinical evidence are not sufficient to establish a definitive association between this variant and the reported condition. Therefore, this variant is classified as a variant of uncertain significance.

Labcorp Genetics (formerly Invitae), Labcorp
Classification: Uncertain significance for BAP1-related tumor predisposition syndrome. Last evaluated: 2024-12-26. Review status: criteria provided, single submitter. Criteria: Invitae Variant Classification Sherloc (09022015). Collection method: clinical testing. Allele origin: germline.
Comment: This sequence change replaces alanine, which is neutral and non-polar, with proline, which is neutral and non-polar, at codon 471 of the BAP1 protein (p.Ala471Pro). This variant is not present in population databases (gnomAD no frequency). This variant has not been reported in the literature in individuals affected with BAP1-related conditions. ClinVar contains an entry for this variant (Variation ID: 489616). Invitae Evidence Modeling of protein sequence and biophysical properties (such as structural, functional, and spatial information, amino acid conservation, physicochemical variation, residue mobility, and thermodynamic stability) indicates that this missense variant is not expected to disrupt BAP1 protein function with a negative predictive value of 80%. In summary, the available evidence is currently insufficient to determine the role of this variant in disease. Therefore, it has been classified as a Variant of Uncertain Significance.

Color Diagnostics, LLC DBA Color Health
Classification: Uncertain significance for Hereditary cancer-predisposing syndrome. Last evaluated: 2023-12-05. Review status: criteria provided, single submitter. Criteria: ACMG Guidelines, 2015. Collection method: clinical testing. Allele origin: germline.
Comment: This missense variant replaces alanine with proline at codon 471 of the BAP1 protein. Computational prediction suggests that this variant may not impact protein structure and function (internally defined REVEL score threshold <= 0.5, PMID: 27666373). To our knowledge, functional studies have not been reported for this variant. This variant has not been reported in individuals affected with BAP1-related disorders in the literature. This variant has not been identified in the general population by the Genome Aggregation Database (gnomAD). The available evidence is insufficient to determine the role of this variant in disease conclusively. Therefore, this variant is classified as a Variant of Uncertain Significance.

NM_004656.4(BAP1):c.1411G>C (p.Ala471Pro)

Gene: BAP1 (BRCA1 associated deubiquitinase 1; minus strand). Cytogenetic location: 3p21.1.
Variant type: single nucleotide variant.
Coding change: c.1411G>C on transcript NM_004656.4 (MANE Select); coding-DNA position 1411, G replaced by C.
Protein change: p.Ala471Pro; replaces alanine 471 with proline.
Molecular consequence: missense variant.
Genome position (GRCh38, 1-based): chr3:52,403,734, C>G on the plus strand (G>C on the coding strand, the complement: BAP1 is on the minus strand). VCF-style: chr3-52403734-C-G. GRCh37 (hg19) VCF-style: chr3-52437750-C-G.
Other names: c.1411G>C (LRG_529t1); short protein forms A471P.
Identifiers: ClinVar variation 489616 (VCV000489616.13), dbSNP rs946145283, ClinGen allele CA353101505.
Genomic context (GRCh38, chr3:52,403,734, plus strand): 5'-CATTGCTGGGGGTGGGTGAGGGCTGCGAGTGTGTGGGCACTGCCACAGCCGGACTCCCAG[C>G]CCCGCTGCTAGTCTTGATGGACAGAGGAATTGAGAGGTCCTTCTGGGACTCTTTGAGCTT-3'
Protein context (NP_004647.1, residues 461-481): IPLSIKTSSG[Ala471Pro]GSPAVAVPTH